The following is an entry in ClinVar:

ClinVar aggregate classification (germline): Benign. Review status: criteria provided, multiple submitters, no conflicts (2 of 4 stars). 6 submissions from 6 submitters: Benign (6). Last evaluated 2026-02-01.

Conditions:
Epidermolysis bullosa simplex 5C, with pyloric atresia (EBS5C). Also called: PLEC-Related Epidermolysis Bullosa with Pyloric Atresia; Epidermolysis bullosa simplex with pyloric atresia; PLEC1-Related Epidermolysis Bullosa with Pyloric Atresia. Identifiers: Orphanet 158684, MedGen C2677349, MONDO:0012807, OMIM 612138.
Epidermolysis bullosa simplex with nail dystrophy (EBS5D). Identifiers: MedGen C4225309, MONDO:0014661, OMIM 616487.
Epidermolysis bullosa simplex, Ogna type (EBS5A). Also called: Pidermolysis bullosa simplex 5A, Ogna type; EPIDERMOLYSIS BULLOSA SIMPLEX 5A, OGNA TYPE. Identifiers: Orphanet 79401, MedGen C0432317, MONDO:0007555, OMIM 131950.
Autosomal recessive limb-girdle muscular dystrophy type 2Q (LGMDR17). Also called: MUSCULAR DYSTROPHY, LIMB-GIRDLE, AUTOSOMAL RECESSIVE 17. Identifiers: Orphanet 254361, MedGen C3150989, MONDO:0013390, OMIM 613723.
Epidermolysis bullosa simplex 5B, with muscular dystrophy (EBS5B). Also called: Epidermolysis bullosa simplex with muscular dystrophy; EPIDERMOLYSIS BULLOSA SIMPLEX AND LIMB-GIRDLE MUSCULAR DYSTROPHY. Identifiers: Orphanet 257, MedGen C2931072, MONDO:0009181, OMIM 226670.

Allele frequency attached by ClinVar (database versions not stated): gnomAD exomes 0.00260 and 0.00559; ExAC 0.00696; ESP Exome Variant Server 0.02111; gnomAD 0.02185 and 0.02329; TOPMed 0.02442; 1000 Genomes Project 0.02716; 1000 Genomes Project 30x 0.02889.
gnomAD v4.1: 7,089 of 1,541,956 alleles (0.46%); highest among the groups gnomAD compares: African/African-American, 7.7%; 190 homozygotes.

Submissions (6):

Labcorp Genetics (formerly Invitae), Labcorp
Classification: Benign for Autosomal recessive limb-girdle muscular dystrophy type 2Q; Epidermolysis bullosa simplex, Ogna type; Epidermolysis bullosa simplex with nail dystrophy; Epidermolysis bullosa simplex 5C, with pyloric atresia; Epidermolysis bullosa simplex 5B, with muscular dystrophy. Last evaluated: 2026-02-01. Review status: criteria provided, single submitter. Criteria: Invitae Variant Classification Sherloc (09022015). Collection method: clinical testing. Allele origin: germline.

Athena Diagnostics
Classification: Benign. Last evaluated: 2024-07-31. Review status: criteria provided, single submitter. Criteria: Athena Diagnostics Criteria. Collection method: clinical testing. Allele origin: unknown.

Mayo Clinic Laboratories, Mayo Clinic
Classification: Benign. Last evaluated: 2018-02-21. Review status: criteria provided, single submitter. Criteria: ACMG Guidelines, 2015. Collection method: clinical testing. Allele origin: germline. Observed: 25 variant alleles.

GeneDx
Classification: Benign. Last evaluated: 2016-03-21. Review status: criteria provided, single submitter. Criteria: GeneDx Variant Classification (06012015). Collection method: clinical testing. Allele origin: germline. Affected: yes.
Comment: This variant is considered likely benign or benign based on one or more of the following criteria: it is a conservative change, it occurs at a poorly conserved position in the protein, it is predicted to be benign by multiple in silico algorithms, and/or has population frequency not consistent with disease.

Eurofins Ntd Llc (ga)
Classification: Benign. Last evaluated: 2014-03-07. Review status: criteria provided, single submitter. Criteria: EGL Classification Definitions 2015. Collection method: clinical testing. Allele origin: germline. Observed: 1 variant allele, 1 heterozygote.

Breakthrough Genomics
Classification: Benign. Review status: criteria provided, single submitter. Criteria: ACMG Guidelines, 2015. Collection method: not provided. Allele origin: germline. Inheritance: Autosomal recessive inheritance. Affected: yes.

NM_201384.3(PLEC):c.5316G>A (p.Ala1772=)

Gene: PLEC (plectin; minus strand). Cytogenetic location: 8q24.3.
Variant type: single nucleotide variant.
Coding change: c.5316G>A on transcript NM_201384.3 (MANE Select); coding-DNA position 5316, G replaced by A.
Protein change: p.Ala1772=; no amino-acid change (alanine 1772 retained).
Molecular consequence: synonymous variant.
Genome position (GRCh38, 1-based): chr8:143,924,613, C>T on the plus strand (G>A on the coding strand, the complement: PLEC is on the minus strand). VCF-style: chr8-143924613-C-T. GRCh37 (hg19) VCF-style: chr8-144998781-C-T.
Other names: p.Ala1758=; c.5397G>A, p.Ala1799= (NM_000445.5); c.5274G>A, p.Ala1758= (NM_201378.4); c.5250G>A, p.Ala1750= (NM_201379.3); c.5727G>A, p.Ala1909= (NM_201380.4); c.5220G>A, p.Ala1740= (NM_201381.3); c.5316G>A, p.Ala1772= (NM_201382.4); c.5328G>A, p.Ala1776= (NM_201383.3).
Identifiers: ClinVar variation 167509 (VCV000167509.18), dbSNP rs62642466, ClinGen allele CA180323.